The following is an entry in ClinVar:

ClinVar aggregate classification (germline): Benign. Review status: criteria provided, multiple submitters, no conflicts (2 of 4 stars). 3 submissions from 3 submitters: Benign (3). Last evaluated 2026-01-28.

Conditions:
Autosomal recessive congenital ichthyosis 3 (ARCI3). Also called: ICHTHYOSIS, LAMELLAR, 5. Identifiers: MedGen C3539888, MONDO:0011680, OMIM 606545.

Allele frequency attached by ClinVar (database versions not stated): gnomAD 0.00978 and 0.01050; 1000 Genomes Project 30x 0.00984; 1000 Genomes Project 0.00998; TOPMed 0.01081; ESP Exome Variant Server 0.01115.
gnomAD v4.1: 2,949 of 1,613,910 alleles (0.18%); highest among the groups gnomAD compares: African/African-American, 3.4%; 56 homozygotes.

Submissions (3):

Labcorp Genetics (formerly Invitae), Labcorp
Classification: Benign. Last evaluated: 2026-01-28. Review status: criteria provided, single submitter. Criteria: Invitae Variant Classification Sherloc (09022015). Collection method: clinical testing. Allele origin: germline.

Illumina Laboratory Services, Illumina
Classification: Benign for Autosomal recessive congenital ichthyosis 3. Last evaluated: 2017-04-27. Review status: criteria provided, single submitter. Criteria: ICSL Variant Classification Criteria 13 December 2019. Collection method: clinical testing. Allele origin: germline.
Comment: This variant was observed as part of a predisposition screen in an ostensibly healthy population. A literature search was performed for the gene, cDNA change, and amino acid change (where applicable). No publications were found based on this search. Allele frequency data from public databases was too high to be consistent with this variant causing disease. Therefore, this variant is classified as benign.

Breakthrough Genomics
Classification: Benign. Review status: criteria provided, single submitter. Criteria: ACMG Guidelines, 2015. Collection method: not provided. Allele origin: germline. Inheritance: Autosomal recessive inheritance. Affected: yes.

NM_021628.3(ALOXE3):c.555-14C>G

Gene: ALOXE3 (arachidonate epidermal lipoxygenase 3; minus strand). Cytogenetic location: 17p13.1.
Variant type: single nucleotide variant.
Coding change: c.555-14C>G on transcript NM_021628.3 (MANE Select); 14 bases into the intron before coding-DNA position 555, C replaced by G.
Molecular consequence: intron variant.
Genome position (GRCh38, 1-based): chr17:8,114,623, G>C on the plus strand (C>G on the coding strand, the complement: ALOXE3 is on the minus strand). VCF-style: chr17-8114623-G-C. GRCh37 (hg19) VCF-style: chr17-8017941-G-C.
Other names: c.951-14C>G (NM_001165960.1); c.555-17C>G (NM_001369446.1).
Identifiers: ClinVar variation 890290 (VCV000890290.9), dbSNP rs116310580, ClinGen allele CA8368376.